The following is an entry in ClinVar:

NM_005908.4(MANBA):c.1705-2A>G

Gene: MANBA (mannosidase beta; minus strand). Cytogenetic location: 4q24.
Variant type: single nucleotide variant.
Coding change: c.1705-2A>G on transcript NM_005908.4 (MANE Select); the canonical splice acceptor site of the intron before coding-DNA position 1705, A replaced by G.
Molecular consequence: splice acceptor variant.
Genome position (GRCh38, 1-based): chr4:102,650,703, T>C on the plus strand (A>G on the coding strand, the complement: MANBA is on the minus strand). VCF-style: chr4-102650703-T-C. GRCh37 (hg19) VCF-style: chr4-103571860-T-C.
Identifiers: ClinVar variation 2893244 (VCV002893244.5), dbSNP rs767086387, ClinGen allele CA3026815.

ClinVar aggregate classification (germline): Likely pathogenic (1 of 4 stars; one submission).

Conditions:
Beta-D-mannosidosis (MANSB). Also called: Beta-Mannosidosis; MANNOSIDOSIS, BETA A, LYSOSOMAL; BETA-MANNOSIDASE DEFICIENCY; LYSOSOMAL BETA-MANNOSIDASE DEFICIENCY. Identifiers: Orphanet 118, MedGen C4048196, MONDO:0009562, OMIM 248510.

Allele frequency attached by ClinVar (database versions not stated): ExAC 0.00001; gnomAD 0.00001; TOPMed 0.00001; gnomAD exomes 0.00002.
gnomAD v4.1: 34 of 1,610,352 alleles (0.0021%); highest among the groups gnomAD compares: Non-Finnish European, 0.0024%; no homozygotes.

Submissions (2):

Labcorp Genetics (formerly Invitae), Labcorp
Classification: Likely pathogenic for Beta-D-mannosidosis. Last evaluated: 2023-12-19. Review status: criteria provided, single submitter. Criteria: Invitae Variant Classification Sherloc (09022015). Collection method: clinical testing. Allele origin: germline.
Comment: This sequence change affects an acceptor splice site in intron 12 of the MANBA gene. It is expected to disrupt RNA splicing. Variants that disrupt the donor or acceptor splice site typically lead to a loss of protein function (PMID: 16199547), and loss-of-function variants in MANBA are known to be pathogenic (PMID: 9384606, 12468273). This variant is present in population databases (rs767086387, gnomAD 0.004%). This variant has not been reported in the literature in individuals affected with MANBA-related conditions. Algorithms developed to predict the effect of sequence changes on RNA splicing suggest that this variant may disrupt the consensus splice site. In summary, the currently available evidence indicates that the variant is pathogenic, but additional data are needed to prove that conclusively. Therefore, this variant has been classified as Likely Pathogenic.

Dr. Peter K. Rogan Lab, Western University
No classification provided (evidence only). Condition: Lung cancer. Review status: no classification provided. Collection method: in vitro. Allele origin: not applicable. Functional consequence: retained intron. Not counted in ClinVar's aggregate classification.

Literature cited by the submitters: PubMed 16199547 (cited by Labcorp Genetics (formerly Invitae), Labcorp); PubMed 9384606 (cited by Labcorp Genetics (formerly Invitae), Labcorp); PubMed 12468273 (cited by Labcorp Genetics (formerly Invitae), Labcorp).